The following is an entry in ClinVar:

NM_005534.4(IFNGR2):c.407G>A (p.Arg136Gln)

Gene: IFNGR2 (interferon gamma receptor 2; plus strand). Cytogenetic location: 21q22.11.
Variant type: single nucleotide variant.
Coding change: c.407G>A on transcript NM_005534.4 (MANE Select); coding-DNA position 407, G replaced by A.
Protein change: p.Arg136Gln; replaces arginine 136 with glutamine.
Molecular consequence: missense variant.
Genome position (GRCh38, 1-based): chr21:33,421,680, G>A. VCF-style: chr21-33421680-G-A. GRCh37 (hg19) VCF-style: chr21-34793987-G-A.
Other names: c.464G>A, p.Arg155Gln (NM_001329128.2); short protein forms R136Q, R155Q.
Identifiers: ClinVar variation 1037224 (VCV001037224.6), dbSNP rs979344163, ClinGen allele CA320142883.

ClinVar aggregate classification (germline): Uncertain significance (1 of 4 stars; one submission).

Conditions:
Immunodeficiency 28 (IMD28). Also called: IFNGR2 DEFICIENCY. Identifiers: Orphanet 319547, Orphanet 319574, MedGen C4013947, MONDO:0013953, OMIM 614889.

Allele frequency attached by ClinVar (database versions not stated): gnomAD exomes below 0.00001 and 0.00001.
gnomAD v4.1: 17 of 1,612,188 alleles (0.0011%); highest among the groups gnomAD compares: Middle Eastern, 0.017%; no homozygotes.

Submission:

Labcorp Genetics (formerly Invitae), Labcorp
Classification: Uncertain significance for Immunodeficiency 28. Last evaluated: 2021-08-30. Review status: criteria provided, single submitter. Criteria: Invitae Variant Classification Sherloc (09022015). Collection method: clinical testing. Allele origin: germline.
Comment: This sequence change replaces arginine with glutamine at codon 136 of the IFNGR2 protein (p.Arg136Gln). The arginine residue is moderately conserved and there is a small physicochemical difference between arginine and glutamine. This variant is not present in population databases (ExAC no frequency). This variant has not been reported in the literature in individuals affected with IFNGR2-related conditions. Algorithms developed to predict the effect of missense changes on protein structure and function are either unavailable or do not agree on the potential impact of this missense change (SIFT: "Tolerated"; PolyPhen-2: "Possibly Damaging"; Align-GVGD: "Class C0"). Algorithms developed to predict the effect of sequence changes on RNA splicing suggest that this variant may create or strengthen a splice site. In summary, the available evidence is currently insufficient to determine the role of this variant in disease. Therefore, it has been classified as a Variant of Uncertain Significance.